The following is an entry in ClinVar:

ClinVar aggregate classification (germline): Likely pathogenic. Review status: criteria provided, multiple submitters, no conflicts (2 of 4 stars). 2 submissions from 2 submitters: Likely pathogenic (2). Last evaluated 2025-05-01.

Conditions:
2-hydroxyglutaric aciduria (D2L2AD). Identifiers: Orphanet 19, Orphanet 356978, MedGen C2746066, MONDO:0016001. Disease mechanism: loss of function.

Allele frequency attached by ClinVar (database versions not stated): TOPMed below 0.00001.

Submissions (2):

CeGaT Center for Human Genetics Tuebingen
Classification: Likely pathogenic. Last evaluated: 2025-05-01. Review status: criteria provided, single submitter. Criteria: CeGaT Center For Human Genetics Tuebingen Variant Classification Criteria Version 2. Collection method: clinical testing. Allele origin: germline. Affected: yes. Observed: 2 variant alleles.
Comment: SLC25A1: PM2, PM3, PM5

Institute of Human Genetics, University of Leipzig Medical Center
Classification: Likely pathogenic for D,L-2-hydroxyglutaric aciduria. Last evaluated: 2020-11-12. Review status: criteria provided, single submitter. Criteria: ACMG Guidelines, 2015. Collection method: clinical testing. Allele origin: maternal. Affected: yes.
Comment: This variant was identified as compound heterozygous with NM_005984.5:c.844C>T.

NM_005984.5(SLC25A1):c.578C>T (p.Ser193Leu)

Gene: SLC25A1 (solute carrier family 25 member 1; minus strand). Cytogenetic location: 22q11.21.
Variant type: single nucleotide variant.
Coding change: c.578C>T on transcript NM_005984.5 (MANE Select); coding-DNA position 578, C replaced by T.
Protein change: p.Ser193Leu; replaces serine 193 with leucine.
Molecular consequence: missense variant. On other transcripts: non-coding transcript variant (1).
Genome position (GRCh38, 1-based): chr22:19,176,899, G>A on the plus strand (C>T on the coding strand, the complement: SLC25A1 is on the minus strand). VCF-style: chr22-19176899-G-A. GRCh37 (hg19) VCF-style: chr22-19164412-G-A.
Other names: c.599C>T, p.Ser200Leu (NM_001256534.2); c.269C>T, p.Ser90Leu (NM_001287387.2); short protein forms S193L, S200L, S90L.
Identifiers: ClinVar variation 1285451 (VCV001285451.18), dbSNP rs781925968, ClinGen allele CA10097384.
Genomic context (GRCh38, chr22:19,176,899, plus strand): 5'-GACACACCTCGGTACCAGTTGCGCAGGGAGGTCATGACGAAGAAGCGGATGGCCTGGTTC[G>A]AGCCCTGCTTCAGGACAGTGGCTGTGAGGCCCTGGTACGTCCCCTTCAGCCCTGCGGGAA-3'
Protein context (NP_005975.1, residues 183-203): GLTATVLKQG[Ser193Leu]NQAIRFFVMT